The following is an entry in ClinVar:

ClinVar aggregate classification (germline): Benign (1 of 4 stars; one submission).

Conditions:
Maple syrup urine disease (MSUD). Identifiers: Orphanet 511, MedGen C0024776, MeSH D008375, MONDO:0009563. Disease mechanism: loss of function.

Allele frequency attached by ClinVar (database versions not stated): gnomAD exomes 0.95404; gnomAD 0.95736 and 0.95752; 1000 Genomes Project 0.95847; 1000 Genomes Project 30x 0.95878; TOPMed 0.95917.
gnomAD v4.1: 277,189 of 289,958 alleles (96%); highest among the groups gnomAD compares: East Asian, 99%; 132,542 homozygotes.

Submission:

Illumina Laboratory Services, Illumina
Classification: Benign for Maple syrup urine disease type 1A. Last evaluated: 2018-01-13. Review status: criteria provided, single submitter. Criteria: ICSL Variant Classification Criteria 13 December 2019. Collection method: clinical testing. Allele origin: germline.
Comment: This variant was observed in the ICSL laboratory as part of a predisposition screen in an ostensibly healthy population. It had not been previously curated by ICSL or reported in the Human Gene Mutation Database (HGMD: prior to June 1st, 2018), and was therefore a candidate for classification through an automated scoring system. Utilizing variant allele frequency, disease prevalence and penetrance estimates, and inheritance mode, an automated score was calculated to assess if this variant is too frequent to cause the disease. Based on the score and internal cut-off values, a variant classified as benign is not then subjected to further curation. The score for this variant resulted in a classification of benign for this disease.

NM_183050.4(BCKDHB):c.*395G>T

Gene: BCKDHB (branched chain keto acid dehydrogenase E1 subunit beta; plus strand). Cytogenetic location: 6q14.1.
Variant type: single nucleotide variant.
Coding change: c.*395G>T on transcript NM_183050.4 (MANE Select); 395 bases downstream of the stop codon, G replaced by T.
Molecular consequence: 3 prime UTR variant. On other transcripts: non-coding transcript variant (1), intron variant (1).
Genome position (GRCh38, 1-based): chr6:80,344,199, G>T. VCF-style: chr6-80344199-G-T. GRCh37 (hg19) VCF-style: chr6-81053916-G-T.
Other names: c.*395G>T (NM_001318975.1); c.*8+387G>T (NM_000056.5).
Identifiers: ClinVar variation 358179 (VCV000358179.5), dbSNP rs4706116, ClinGen allele CA10627772.